The following is an entry in ClinVar:

ClinVar aggregate classification (germline): Uncertain significance (1 of 4 stars; one submission).

Conditions:
Progressive encephalopathy with leukodystrophy due to DECR deficiency. Identifiers: Orphanet 431361, MedGen C1857252, MONDO:0014464, OMIM 616034.

Submission:

Labcorp Genetics (formerly Invitae), Labcorp
Classification: Uncertain significance for Progressive encephalopathy with leukodystrophy due to DECR deficiency. Last evaluated: 2021-12-22. Review status: criteria provided, single submitter. Criteria: Invitae Variant Classification Sherloc (09022015). Collection method: clinical testing. Allele origin: germline.
Comment: This variant has not been reported in the literature in individuals affected with NADK2-related conditions. This variant, c.221_223del, results in the deletion of 1 amino acid(s) of the NADK2 protein (p.Val74del), but otherwise preserves the integrity of the reading frame. The frequency data for this variant in the population databases is considered unreliable, as metrics indicate poor data quality at this position in the gnomAD database. Experimental studies and prediction algorithms are not available or were not evaluated, and the functional significance of this variant is currently unknown. In summary, the available evidence is currently insufficient to determine the role of this variant in disease. Therefore, it has been classified as a Variant of Uncertain Significance.

NM_001085411.3(NADK2):c.212TGG[3] (p.Val74del)

Genes: NADK2 (NAD kinase 2, mitochondrial; minus strand), LOC129993801 (ATAC-STARR-seq lymphoblastoid silent region 15972; plus strand). Cytogenetic location: 5p13.2.
Variant type: Microsatellite.
Coding change: c.212TGG[3] on transcript NM_001085411.3 (MANE Select); three copies in a row of the 3-base unit TGG starting at c.212; the reference has four copies in a row; one copy, 3 bases deleted.
Protein change: p.Val74del; deletes valine 74.
Molecular consequence: inframe deletion. On other transcripts: intron variant (2).
Genome position (GRCh38, 1-based): chr5:36,241,576-36,241,578, CCA deleted on the plus strand (TGG on the coding strand, the reverse complement: NADK2 is on the minus strand); deleting any 3 consecutive bases within chr5:36,241,576-36,241,589 gives the same sequence; the position shown is the placement nearest the transcript's 3' end. VCF-style (leftmost placement, unchanged base first): chr5-36241575-GCCA-G. GRCh37 (hg19) VCF-style: chr5-36241677-GCCA-G.
Other names: c.-190+509TGG[3] (NM_153013.5, NM_001287341.2); short protein forms V74del.
Identifiers: ClinVar variation 2054036 (VCV002054036.4), dbSNP rs766342223, ClinGen allele CA3234797.